The following is an entry in ClinVar:

ClinVar aggregate classification (germline): Uncertain significance. Review status: criteria provided, multiple submitters, no conflicts (2 of 4 stars). 2 submissions from 2 submitters: Uncertain significance (2). Last evaluated 2024-03-01.

Allele frequency attached by ClinVar (database versions not stated): gnomAD exomes 0.00001 and below 0.00001; TOPMed 0.00001; ExAC 0.00001.
gnomAD v4.1: 6 of 1,613,760 alleles (0.00037%); highest among the groups gnomAD compares: East Asian, 0.0022%; no homozygotes.

Submissions (2):

Women's Health and Genetics/Laboratory Corporation of America, LabCorp
Classification: Uncertain significance. Last evaluated: 2024-03-01. Review status: criteria provided, single submitter. Criteria: LabCorp Variant Classification Summary - May 2015. Collection method: clinical testing. Allele origin: germline.
Comment: Variant summary: TTN c.78166C>T (p.Arg26056Cys) results in a non-conservative amino acid change located in the A-band region of the encoded protein sequence. Three of three in-silico tools predict a damaging effect of the variant on protein function. The variant allele was found at a frequency of 8e-06 in 248832 control chromosomes. The available data on variant occurrences in the general population are insufficient to allow any conclusion about variant significance. To our knowledge, no occurrence of c.78166C>T in individuals affected with Limb-Girdle Muscular Dystrophy, Type 2J and no experimental evidence demonstrating its impact on protein function have been reported. ClinVar contains an entry for this variant (Variation ID: 96310). Based on the evidence outlined above, the variant was classified as uncertain significance.

Eurofins Ntd Llc (ga)
Classification: Uncertain significance. Last evaluated: 2013-09-04. Review status: criteria provided, single submitter. Criteria: EGL Classification Definitions 2015. Collection method: clinical testing. Allele origin: germline. Observed: 2 variant alleles, 2 heterozygotes.

NM_001267550.2(TTN):c.85870C>T (p.Arg28624Cys)

Genes: TTN (titin; minus strand), TTN-AS1 (TTN antisense RNA 1; plus strand). Cytogenetic location: 2q31.2.
Variant type: single nucleotide variant.
Coding change: c.85870C>T on transcript NM_001267550.2 (MANE Select); coding-DNA position 85870, C replaced by T.
Protein change: p.Arg28624Cys; replaces arginine 28624 with cysteine.
Molecular consequence: missense variant.
Genome position (GRCh38, 1-based): chr2:178,560,262, G>A on the plus strand (C>T on the coding strand, the complement: TTN is on the minus strand). VCF-style: chr2-178560262-G-A. GRCh37 (hg19) VCF-style: chr2-179424989-G-A.
Other names: c.80947C>T, p.Arg26983Cys (NM_001256850.1); c.58675C>T, p.Arg19559Cys (NM_003319.4); c.59050C>T, p.Arg19684Cys (NM_133432.3); c.59251C>T, p.Arg19751Cys (NM_133437.4); c.78166C>T, p.Arg26056Cys (NM_133378.4); short protein forms R28624C, R19751C, R19559C, R19684C, R26983C.
Identifiers: ClinVar variation 96310 (VCV000096310.7), dbSNP rs398124458, ClinGen allele CA223981.